The following is an entry in ClinVar:

ClinVar aggregate classification (germline): Pathogenic. Review status: criteria provided, multiple submitters, no conflicts (2 of 4 stars). 3 submissions from 3 submitters: Pathogenic (3). Last evaluated 2023-09-10.

Conditions:
KBG syndrome (KBGS). Also called: ANKRD11-Related KBG Syndrome. Identifiers: Orphanet 2332, MedGen C0220687, MONDO:0007846, OMIM 148050.

Submissions (3):

GeneDx
Classification: Pathogenic. Last evaluated: 2023-09-10. Review status: criteria provided, single submitter. Criteria: GeneDx Variant Classification Process June 2021. Collection method: clinical testing. Allele origin: germline. Affected: yes.
Comment: Frameshift variant predicted to result in protein truncation or nonsense mediated decay in a gene for which loss-of-function is a known mechanism of disease; Not observed at significant frequency in large population cohorts (gnomAD); This variant is associated with the following publications: (PMID: 35682590)

Medical Cytogenetics and Molecular Genetics Laboratory, IRCCS Istituto Auxologico Italiano
Classification: Pathogenic for KBG syndrome. Last evaluated: 2021-11-01. Review status: criteria provided, single submitter. Criteria: ACMG Guidelines, 2015. Collection method: research. Allele origin: de novo. Affected: yes. Observed: 1 variant allele.

CeGaT Center for Human Genetics Tuebingen
Classification: Pathogenic. Last evaluated: 2020-09-01. Review status: criteria provided, single submitter. Criteria: CeGaT Center For Human Genetics Tuebingen Variant Classification Criteria Version 2. Collection method: clinical testing. Allele origin: germline. Affected: yes. Observed: 1 variant allele.

NM_013275.6(ANKRD11):c.3768_3769del (p.His1256fs)

Gene: ANKRD11 (ankyrin repeat domain 11; minus strand). Cytogenetic location: 16q24.3.
Variant type: Microsatellite.
Coding change: c.3768_3769del on transcript NM_013275.6 (MANE Select); coding-DNA positions 3768 to 3769, 2 bases deleted (CA; older notation c.3768_3769delCA).
Protein change: p.His1256fs; shifts the reading frame from histidine 1256.
Molecular consequence: frameshift variant.
Genome position (GRCh38, 1-based): chr16:89,282,773-89,282,774, TG deleted on the plus strand (CA on the coding strand, the reverse complement: ANKRD11 is on the minus strand); deleting any 2 consecutive bases within chr16:89,282,773-89,282,777 gives the same sequence; the c. name uses the placement nearest the transcript's 3' end. VCF-style (leftmost placement, unchanged base first): chr16-89282772-TTG-T. GRCh37 (hg19) VCF-style: chr16-89349180-TTG-T.
Other names: c.3768_3769del, p.His1256fs (NM_001256182.2, NM_001256183.2); c.3768_3769delCA (NM_001256182.2); c.3768_3769del (NM_013275.5); short protein forms H1256fs.
Identifiers: ClinVar variation 1012411 (VCV001012411.43), dbSNP rs2034368063, ClinGen allele CA2241603506.